The following is an entry in ClinVar:

ClinVar aggregate classification (germline): Uncertain significance. Review status: criteria provided, multiple submitters, no conflicts (2 of 4 stars). 3 submissions from 3 submitters: Uncertain significance (3). Last evaluated 2026-09-11.

Conditions:
Long QT syndrome (LQTS). Identifiers: MedGen C0023976, MeSH D008133, MONDO:0002442. Disease mechanism: loss of function. Inheritance: Various modes of inheritance.
Cardiovascular phenotype. Identifiers: MedGen CN230736.

gnomAD v4.1: 6 of 1,614,202 alleles (0.00037%); highest among the groups gnomAD compares: Admixed American, 0.0017%; no homozygotes.

Submissions (3):

Ambry Genetics
Classification: Uncertain significance for Cardiovascular phenotype. Last evaluated: 2026-09-11. Review status: criteria provided, single submitter. Criteria: Ambry Variant Classification Scheme 2023. Collection method: clinical testing. Allele origin: germline.

Labcorp Genetics (formerly Invitae), Labcorp
Classification: Uncertain significance for Long QT syndrome. Last evaluated: 2025-10-02. Review status: criteria provided, single submitter. Criteria: Invitae Variant Classification Sherloc (09022015). Collection method: clinical testing. Allele origin: germline.
Comment: This sequence change replaces glycine, which is neutral and non-polar, with arginine, which is basic and polar, at codon 139 of the KCNH2 protein (p.Gly139Arg). This variant is present in population databases (no rsID available, gnomAD 0.003%). This variant has not been reported in the literature in individuals affected with KCNH2-related conditions. An algorithm developed to predict the effect of missense changes on protein structure and function (PolyPhen-2) suggests that this variant is likely to be disruptive. In summary, the available evidence is currently insufficient to determine the role of this variant in disease. Therefore, it has been classified as a Variant of Uncertain Significance.

Blueprint Genetics
Classification: Uncertain significance. Last evaluated: 2024-07-03. Review status: criteria provided, single submitter. Criteria: ACMG Guidelines, 2015. Collection method: clinical testing. Allele origin: germline.

NM_000238.4(KCNH2):c.415G>C (p.Gly139Arg)

Gene: KCNH2 (potassium voltage-gated channel subfamily H member 2; minus strand). Cytogenetic location: 7q36.1.
Variant type: single nucleotide variant.
Coding change: c.415G>C on transcript NM_000238.4 (MANE Select); coding-DNA position 415, G replaced by C.
Protein change: p.Gly139Arg; replaces glycine 139 with arginine.
Molecular consequence: missense variant. On other transcripts: non-coding transcript variant (1).
Genome position (GRCh38, 1-based): chr7:150,959,629, C>G on the plus strand (G>C on the coding strand, the complement: KCNH2 is on the minus strand). VCF-style: chr7-150959629-C-G. GRCh37 (hg19) VCF-style: chr7-150656717-C-G.
Other names: c.127G>C, p.Gly43Arg (NM_001406753.1, NM_001406756.1); c.238G>C, p.Gly80Arg (NM_001406755.1); c.115G>C, p.Gly39Arg (NM_001406757.1); c.415G>C, p.Gly139Arg (NM_172056.3); short protein forms G139R, G39R, G43R, G80R.
Identifiers: ClinVar variation 4798022 (VCV004798022.3).